The following is an entry in ClinVar:

NM_000216.4(ANOS1):c.1120T>C (p.Leu374=)

Gene: ANOS1 (anosmin 1; minus strand). Cytogenetic location: Xp22.31.
Variant type: single nucleotide variant.
Coding change: c.1120T>C on transcript NM_000216.4 (MANE Select); coding-DNA position 1120, T replaced by C.
Protein change: p.Leu374=; no amino-acid change (leucine 374 retained).
Molecular consequence: synonymous variant.
Genome position (GRCh38, 1-based): chrX:8,568,319, A>G on the plus strand (T>C on the coding strand, the complement: ANOS1 is on the minus strand). VCF-style: chrX-8568319-A-G. GRCh37 (hg19) VCF-style: chrX-8536360-A-G.
Identifiers: ClinVar variation 3355350 (VCV003355350.1).
Genomic context (GRCh38, chrX:8,568,319, plus strand): 5'-AGTGAAGGGACACCTTTGCACTCTTCAGCCGTGTCTGTCCCCAGTACGTTATGGCTTGCA[A>G]TTCCACAACATAGTCACAGTCTGGCTGGAGTTTCTCCAGGATCACAGAATTTTGAAACTA-3'
Protein context (NP_000207.2, residues 364-384): LQPDCDYVVE[Leu374=]QAITYWGQTR

ClinVar aggregate classification (germline): Likely benign (0 of 4 stars; one submission).

Conditions:
ANOS1-related disorder. Also called: ANOS1-related condition.

gnomAD v4.1: 20 of 1,207,342 alleles (0.0017%); highest among the groups gnomAD compares: African/African-American, 0.0035%; no homozygotes.

Submission:

PreventionGenetics, part of Exact Sciences
Classification: Likely benign for ANOS1-related condition. Last evaluated: 2019-10-28. Review status: no assertion criteria provided. Collection method: clinical testing. Allele origin: germline.
Comment: This variant is classified as likely benign based on ACMG/AMP sequence variant interpretation guidelines (Richards et al. 2015 PMID: 25741868, with internal and published modifications).